The following is an entry in ClinVar:

ClinVar aggregate classification (germline): Likely benign (1 of 4 stars; one submission).

Submission:

GeneDx
Classification: Likely benign. Last evaluated: 2018-06-12. Review status: criteria provided, single submitter. Criteria: GeneDx Variant Classification (06012015). Collection method: clinical testing. Allele origin: germline. Affected: yes.
Comment: This variant is considered likely benign or benign based on one or more of the following criteria: it is a conservative change, it occurs at a poorly conserved position in the protein, it is predicted to be benign by multiple in silico algorithms, and/or has population frequency not consistent with disease.

NM_004519.4(KCNQ3):c.1125T>G (p.Ala375=)

Gene: KCNQ3 (potassium voltage-gated channel subfamily Q member 3; minus strand). Cytogenetic location: 8q24.22.
Variant type: single nucleotide variant.
Coding change: c.1125T>G on transcript NM_004519.4 (MANE Select); coding-DNA position 1125, T replaced by G.
Protein change: p.Ala375=; no amino-acid change (alanine 375 retained).
Molecular consequence: synonymous variant.
Genome position (GRCh38, 1-based): chr8:132,172,613, A>C on the plus strand (T>G on the coding strand, the complement: KCNQ3 is on the minus strand). VCF-style: chr8-132172613-A-C. GRCh37 (hg19) VCF-style: chr8-133184860-A-C.
Other names: c.765T>G, p.Ala255= (NM_001204824.2).
Identifiers: ClinVar variation 671786 (VCV000671786.1), dbSNP rs1586798332, ClinGen allele CA463070183.